The following is an entry in ClinVar:

NC_000006.12:g.131808005G>C

Gene: ENPP1 (ectonucleotide pyrophosphatase/phosphodiesterase 1; plus strand). Cytogenetic location: 6q23.2.
Variant type: single nucleotide variant.
Genome position: GRCh38 VCF-style: chr6-131808005-G-C. GRCh37 (hg19) VCF-style: chr6-132129145-G-C.
Identifiers: ClinVar variation 4874035 (VCV004874035.2).

ClinVar aggregate classification (germline): Likely benign (1 of 4 stars; one submission).

Submission:

CeGaT Center for Human Genetics Tuebingen
Classification: Likely benign. Last evaluated: 2026-07-01. Review status: criteria provided, single submitter. Criteria: CeGaT Center For Human Genetics Tuebingen Variant Classification Criteria Version 2. Collection method: clinical testing. Allele origin: germline. Affected: yes. Observed: 2 variant alleles.
Comment: ENPP1: BS1